The following is an entry in ClinVar:

ClinVar aggregate classification (germline): Uncertain significance (1 of 4 stars; one submission).

gnomAD v4.1: 5 of 1,612,804 alleles (0.00031%); highest among the groups gnomAD compares: Non-Finnish European, 0.00042%; no homozygotes.

Submission:

Women's Health and Genetics/Laboratory Corporation of America, LabCorp
Classification: Uncertain significance. Last evaluated: 2025-09-29. Review status: criteria provided, single submitter. Criteria: LabCorp Variant Classification Summary - May 2015. Collection method: clinical testing. Allele origin: germline.
Comment: Variant summary: DPYD c.1700G>A (p.Gly567Glu) results in a non-conservative amino acid change located in the Dihydroorotate dehydrogenase, catalytic domain (IPR005720) of the encoded protein sequence. Algorithms developed to predict the effect of missense changes on protein structure and function all suggest that this variant is likely to be disruptive. The variant allele was found at a frequency of 4e-06 in 250554 control chromosomes (gnomAD). c.1700G>A has been reported in the literature in individuals affected with Dihydropyrimidine Dehydrogenase Deficiency (van Kullenburg_2018). These data indicate that the variant may be associated with disease. This publication reports experimental evidence evaluating an impact on protein function, however, does not allow convincing conclusions about the variant effect. The following publication has been ascertained in the context of this evaluation (PMID: 29691939). ClinVar contains an entry for this variant (Variation ID: 3233733). Based on the evidence outlined above, the variant was classified as VUS-possibly pathogenic.

Literature cited by the submitters: PubMed 29691939.

NM_000110.4(DPYD):c.1700G>A (p.Gly567Glu)

Gene: DPYD (dihydropyrimidine dehydrogenase; minus strand). Cytogenetic location: 1p21.3.
Variant type: single nucleotide variant.
Coding change: c.1700G>A on transcript NM_000110.4 (MANE Select); coding-DNA position 1700, G replaced by A.
Protein change: p.Gly567Glu; replaces glycine 567 with glutamic acid.
Molecular consequence: missense variant.
Genome position (GRCh38, 1-based): chr1:97,515,766, C>T on the plus strand (G>A on the coding strand, the complement: DPYD is on the minus strand). VCF-style: chr1-97515766-C-T. GRCh37 (hg19) VCF-style: chr1-97981322-C-T.
Other names: short protein forms G567E.
Identifiers: ClinVar variation 3233733 (VCV003233733.3), dbSNP rs1188134745, ClinGen allele CA341378243.